The following is an entry in ClinVar:

ClinVar aggregate classification (germline): Pathogenic. Review status: reviewed by expert panel (3 of 4 stars). 9 submissions from 9 submitters: Pathogenic (1). 8 of the submissions do not count toward it. Last evaluated 2017-12-15.

Conditions:
Hereditary breast ovarian cancer syndrome. Also called: Breast and ovarian cancer; Hereditary breast and ovarian cancer syndrome; BRCA1- and BRCA2-Associated Hereditary Breast and Ovarian Cancer; Hereditary breast and ovarian cancer; Hereditary breast and ovarian cancer syndrome (HBOC); Hereditary breast and/or ovarian cancer syndrome. Identifiers: Orphanet 145, MedGen C0677776, MeSH D061325, MONDO:0003582. Disease mechanism: loss of function.
Hereditary cancer-predisposing syndrome. Also called: Neoplastic Syndromes, Hereditary; Hereditary Cancer Syndrome; Hereditary neoplastic syndrome; Tumor predisposition. Identifiers: Orphanet 140162, MedGen C0027672, MeSH D009386, MONDO:0015356.
Gastric cancer. Also called: Malignant tumor of stomach; Stomach cancer. Identifiers: MedGen C0024623, MeSH D013274, MONDO:0001056, OMIM 613659, HP:0012126.
Breast-ovarian cancer, familial, susceptibility to, 2 (BROVCA2). Also called: BRCA2 Hereditary Breast and Ovarian Cancer. Identifiers: Orphanet 145, MedGen C2675520, MONDO:0012933, OMIM 612555. Disease mechanism: loss of function.

Submissions (9):

Evidence-based Network for the Interpretation of Germline Mutant Alleles (ENIGMA)
Classification: Pathogenic for Breast-ovarian cancer, familial, susceptibility to, 2. Last evaluated: 2017-12-15. Review status: reviewed by expert panel. Criteria: ENIGMA BRCA1/2 Classification Criteria (2017-06-29). Collection method: curation. Allele origin: germline. Study: ENIGMA.
Comment: Variant allele predicted to encode a truncated non-functional protein.

Ambry Genetics
Classification: Pathogenic for Hereditary cancer-predisposing syndrome. Last evaluated: 2025-07-09. Review status: criteria provided, single submitter. Criteria: Ambry Variant Classification Scheme 2023. Collection method: clinical testing. Allele origin: germline. Not counted in ClinVar's aggregate classification.
Comment: The p.Q861* pathogenic mutation (also known as c.2581C>T), located in coding exon 10 of the BRCA2 gene, results from a C to T substitution at nucleotide position 2581. This changes the amino acid from a glutamine to a stop codon within coding exon 10. This variant is considered to be rare based on population cohorts in the Genome Aggregation Database (gnomAD). This alteration is expected to result in loss of function by premature protein truncation or nonsense-mediated mRNA decay. As such, this alteration is interpreted as a disease-causing mutation.

Labcorp Genetics (formerly Invitae), Labcorp
Classification: Pathogenic for Hereditary breast ovarian cancer syndrome. Last evaluated: 2025-01-21. Review status: criteria provided, single submitter. Criteria: Invitae Variant Classification Sherloc (09022015). Collection method: clinical testing. Allele origin: germline. Not counted in ClinVar's aggregate classification.
Comment: This sequence change creates a premature translational stop signal (p.Gln861*) in the BRCA2 gene. It is expected to result in an absent or disrupted protein product. Loss-of-function variants in BRCA2 are known to be pathogenic (PMID: 20104584). This variant is not present in population databases (gnomAD no frequency). This variant has not been reported in the literature in individuals affected with BRCA2-related conditions. ClinVar contains an entry for this variant (Variation ID: 441317). For these reasons, this variant has been classified as Pathogenic.

Department of Human Genetics, Hannover Medical School
Classification: Pathogenic for Breast-ovarian cancer, familial, susceptibility to, 2. Last evaluated: 2024-06-28. Review status: criteria provided, single submitter. Criteria: ACMG Guidelines, 2015. Collection method: clinical testing. Allele origin: germline. Inheritance: Autosomal dominant inheritance. Affected: yes. Not counted in ClinVar's aggregate classification.

Quest Diagnostics Nichols Institute San Juan Capistrano
Classification: Pathogenic. Last evaluated: 2024-04-27. Review status: criteria provided, single submitter. Criteria: Quest Diagnostics criteria. Collection method: clinical testing. Allele origin: unknown. Not counted in ClinVar's aggregate classification.
Comment: The BRCA2 c.2581C>T (p.Gln861*) variant causes the premature termination of BRCA2 protein synthesis. This variant has been reported in the published literature in in individuals affected with melanoma (PMID: 32770442 (2020)) or liver cancer (PMID: 37596911 (2023)). This variant has not been reported in large, multi-ethnic general populations (Genome Aggregation Database). Based on the available information, this variant is classified as pathogenic.

Color Diagnostics, LLC DBA Color Health
Classification: Pathogenic for Hereditary cancer-predisposing syndrome. Last evaluated: 2023-07-11. Review status: criteria provided, single submitter. Criteria: ACMG Guidelines, 2015. Collection method: clinical testing. Allele origin: germline. Not counted in ClinVar's aggregate classification.
Comment: This variant changes 1 nucleotide in exon 11 of the BRCA2 gene, creating a premature translation stop signal. This variant is expected to result in an absent or non-functional protein product. To our knowledge, this variant has not been reported in individuals affected with hereditary cancer in the literature. This variant has not been identified in the general population by the Genome Aggregation Database (gnomAD). Loss of BRCA2 function is a known mechanism of disease. Based on the available evidence, this variant is classified as Pathogenic.

All of Us Research Program, National Institutes of Health
Classification: Pathogenic for Breast-ovarian cancer, familial, susceptibility to, 2. Last evaluated: 2023-05-31. Review status: criteria provided, single submitter. Criteria: ACMG Guidelines, 2015. Collection method: clinical testing. Allele origin: germline. Inheritance: Autosomal dominant inheritance. Observed: 1 variant allele, 1 heterozygote. Not counted in ClinVar's aggregate classification.
Comment: The c.2581C>T (p.Gln861*) variant in the BRCA2 gene is located on the exon 11 and introduce a premature translation termination codon (p.Gln861*), resulting in an absent or disrupted protein product. The variant has been identified in an individual with melanoma (PMID: 32770442). Loss-of-function variants of BRCA2 are known to be pathogenic and cause BRCA associated cancers (PMID: 8988179, 11897832). The variant is reported in ClinVar as pathogenic (ID: 441317) and reviewed by expert panel. The variant is absent in the general population database (gnomAD). Therefore, the c.2581C>T (p.Gln861*) variant of BRCA2 has been classified as pathogenic.

This study involves interpretation of variants in research participants for the purpose of population health screening. Participant phenotype was not available at the time of variant classification. Additional details can be found in publication PMID: 35346344, PMCID: PMC8962531

Women's Health and Genetics/Laboratory Corporation of America, LabCorp
Classification: Likely pathogenic for Hereditary breast ovarian cancer syndrome. Last evaluated: 2016-05-27. Review status: criteria provided, single submitter. Criteria: LabCorp Variant Classification Summary - May 2015. Collection method: clinical testing. Allele origin: germline. Not counted in ClinVar's aggregate classification.
Comment: Variant summary: The BRCA2 c.2581C>T (p.Gln861X) variant results in a premature termination codon, predicted to cause a truncated or absent BRCA2 protein due to nonsense mediated decay, which are commonly known mechanisms for disease. Truncations downstream of this position have been classified as pathogenic by our laboratory (e.g. c.2808delA, c.3166C>T/p.Gln1056X, etc.). One in silico tool predicts a damaging outcome for this variant. This variant was absent in 120148 control chromosomes and has not, to our knowledge, been reported in affected individuals via publications and/or reputable databases/clinical diagnostic laboratories; nor evaluated for functional impact by in vivo/vitro studies. Taken together, this variant is classified as likely pathogenic until additional information is available.

Laboratory for Genotyping Development, RIKEN
Classification: Pathogenic for Gastric cancer. Last evaluated: 2021-07-01. Review status: no assertion criteria provided. Collection method: research. Allele origin: germline. Not counted in ClinVar's aggregate classification.

Literature cited by the submitters: PubMed 20104584 (cited by Labcorp Genetics (formerly Invitae), Labcorp); PubMed 37596911 (cited by Quest Diagnostics Nichols Institute San Juan Capistrano); PubMed 32770442 (cited by Quest Diagnostics Nichols Institute San Juan Capistrano and All of Us Research Program, National Institutes of Health); PubMed 8988179 (cited by All of Us Research Program, National Institutes of Health); PubMed 11897832 (cited by All of Us Research Program, National Institutes of Health); PubMed 36988593 (cited by Laboratory for Genotyping Development, RIKEN).

NM_000059.4(BRCA2):c.2581C>T (p.Gln861Ter)

Gene: BRCA2 (BRCA2 DNA repair associated; plus strand). Cytogenetic location: 13q13.1.
Variant type: single nucleotide variant.
Coding change: c.2581C>T on transcript NM_000059.4 (MANE Select); coding-DNA position 2581, C replaced by T.
Protein change: p.Gln861Ter; replaces glutamine 861 with a stop codon.
Molecular consequence: nonsense.
Genome position (GRCh38, 1-based): chr13:32,336,936, C>T. VCF-style: chr13-32336936-C-T. GRCh37 (hg19) VCF-style: chr13-32911073-C-T.
Other names: short protein forms Q861*.
Identifiers: ClinVar variation 441317 (VCV000441317.39), dbSNP rs773356478, ClinGen allele CA387772589.